The following is an entry in ClinVar:

ClinVar aggregate classification (germline): Uncertain significance. Review status: criteria provided, multiple submitters, no conflicts (2 of 4 stars). 3 submissions from 3 submitters: Uncertain significance (3). Last evaluated 2022-11-09.

Conditions:
Autosomal recessive limb-girdle muscular dystrophy type 2J (LGMDR10). Also called: Limb-girdle muscular dystrophy, type 2J; MUSCULAR DYSTROPHY, LIMB-GIRDLE, AUTOSOMAL RECESSIVE 10. Identifiers: Orphanet 140922, MedGen C1837342, MONDO:0012127, OMIM 608807.
Hypertrophic cardiomyopathy 9. Also called: Familial hypertrophic cardiomyopathy 9. Identifiers: MedGen C1861065, MONDO:0013412, OMIM 613765.
Early-onset myopathy with fatal cardiomyopathy (CMYO5). Also called: CONGENITAL MYOPATHY 5 WITH CARDIOMYOPATHY; Salih Myopathy. Identifiers: Orphanet 289377, MedGen C2673677, MONDO:0012714, OMIM 611705. Disease mechanism: loss of function.
Dilated cardiomyopathy 1G (CMD1G). Identifiers: Orphanet 154, MedGen C1858763, MONDO:0011400, OMIM 604145.
Myopathy, myofibrillar, 9, with early respiratory failure (MFM9). Also called: Hereditary myopathy with early respiratory failure; EDSTROM MYOPATHY; MYOPATHY, PROXIMAL, WITH EARLY RESPIRATORY MUSCLE INVOLVEMENT; Myopathy, distal, with early respiratory failure, autosomal dominant. Identifiers: Orphanet 178464, Orphanet 34521, MedGen C1863599, MONDO:0011362, OMIM 603689.
Tibial muscular dystrophy (TMD). Also called: Udd Distal Myopathy – Tibial Muscular Dystrophy; UDD MYOPATHY; Tibial muscular dystrophy, tardive. Identifiers: Orphanet 609, MedGen C1838244, MONDO:0010870, OMIM 600334.

Allele frequency attached by ClinVar (database versions not stated): ExAC 0.00001; gnomAD 0.00001; TOPMed 0.00001; gnomAD exomes 0.00002 and 0.00003.
gnomAD v4.1: 26 of 1,614,040 alleles (0.0016%); highest among the groups gnomAD compares: Middle Eastern, 0.016%; no homozygotes.

Submissions (3):

Clinical Genetics Laboratory, Skane University Hospital Lund
Classification: Uncertain significance. Last evaluated: 2022-11-09. Review status: criteria provided, single submitter. Criteria: ACMG Guidelines, 2015. Collection method: clinical testing. Allele origin: germline. Affected: yes.

Fulgent Genetics
Classification: Uncertain significance for Tibial muscular dystrophy; Myopathy, myofibrillar, 9, with early respiratory failure; Dilated cardiomyopathy 1G; Autosomal recessive limb-girdle muscular dystrophy type 2J; Early-onset myopathy with fatal cardiomyopathy; Hypertrophic cardiomyopathy 9. Last evaluated: 2021-10-12. Review status: criteria provided, single submitter. Criteria: ACMG Guidelines, 2015. Collection method: clinical testing. Allele origin: unknown.

GeneDx
Classification: Uncertain significance. Last evaluated: 2020-01-10. Review status: criteria provided, single submitter. Criteria: GeneDx Variant Classification Process June 2021. Collection method: clinical testing. Allele origin: germline. Affected: yes.
Comment: In silico analysis, which includes protein predictors and evolutionary conservation, supports a deleterious effect; Has not been previously published as pathogenic or benign to our knowledge

NM_001267550.2(TTN):c.5810C>G (p.Ser1937Cys)

Gene: TTN (titin; minus strand). Cytogenetic location: 2q31.2.
Variant type: single nucleotide variant.
Coding change: c.5810C>G on transcript NM_001267550.2 (MANE Select); coding-DNA position 5810, C replaced by G.
Protein change: p.Ser1937Cys; replaces serine 1937 with cysteine.
Molecular consequence: missense variant.
Genome position (GRCh38, 1-based): chr2:178,776,054, G>C on the plus strand (C>G on the coding strand, the complement: TTN is on the minus strand). VCF-style: chr2-178776054-G-C. GRCh37 (hg19) VCF-style: chr2-179640781-G-C.
Other names: c.5810C>G, p.Ser1937Cys (NM_001256850.1, NM_133378.4, NM_133379.5); c.5672C>G, p.Ser1891Cys (NM_003319.4, NM_133432.3, NM_133437.4); short protein forms S1891C, S1937C.
Identifiers: ClinVar variation 1304084 (VCV001304084.4), dbSNP rs747895202, ClinGen allele CA2005137.